The following is an entry in ClinVar:

ClinVar aggregate classification (germline): Likely pathogenic (1 of 4 stars; one submission).

Conditions:
Dilated cardiomyopathy 1G (CMD1G). Identifiers: Orphanet 154, MedGen C1858763, MONDO:0011400, OMIM 604145.
Autosomal recessive limb-girdle muscular dystrophy type 2J (LGMDR10). Also called: Limb-girdle muscular dystrophy, type 2J; MUSCULAR DYSTROPHY, LIMB-GIRDLE, AUTOSOMAL RECESSIVE 10. Identifiers: Orphanet 140922, MedGen C1837342, MONDO:0012127, OMIM 608807.

Submission:

Labcorp Genetics (formerly Invitae), Labcorp
Classification: Likely pathogenic for Dilated cardiomyopathy 1G; Autosomal recessive limb-girdle muscular dystrophy type 2J. Last evaluated: 2023-12-06. Review status: criteria provided, single submitter. Criteria: Invitae Variant Classification Sherloc (09022015). Collection method: clinical testing. Allele origin: germline.
Comment: This sequence change creates a premature translational stop signal (p.Asp34249Thrfs*3) in the TTN gene. While this is not anticipated to result in nonsense mediated decay, it is expected to create a truncated TTN protein. This variant is not present in population databases (gnomAD no frequency). This premature translational stop signal has been observed in individual(s) with dilated cardiomyopathy (Invitae). ClinVar contains an entry for this variant (Variation ID: 1066658). This variant is located in the M band of TTN (PMID: 25589632). Truncating variants in this region have been previously reported in individuals affected with autosomal recessive myopathy and muscular dystrophy (PMID: 18948003, 23975875, 24395473). Truncating variants in this region have also been identified in individuals affected with autosomal dominant dilated cardiomyopathy and/or cardio-related conditions (PMID: 27869827, 32964742). In summary, the currently available evidence indicates that the variant is pathogenic, but additional data are needed to prove that conclusively. Therefore, this variant has been classified as Likely Pathogenic.

Literature cited by the submitters: PubMed 25589632; PubMed 18948003; PubMed 23975875; PubMed 24395473; PubMed 27869827; PubMed 32964742.

NM_001267550.2(TTN):c.102744del (p.Asp34249fs)

Genes: TTN-AS1 (TTN antisense RNA 1; plus strand), TTN (titin; minus strand). Cytogenetic location: 2q31.2.
Variant type: Deletion.
Coding change: c.102744del on transcript NM_001267550.2 (MANE Select); coding-DNA position 102744, one base deleted (A; older notation c.102744delA).
Protein change: p.Asp34249fs; shifts the reading frame from aspartic acid 34249.
Molecular consequence: frameshift variant.
Genome position (GRCh38, 1-based): chr2:178,533,871, T deleted on the plus strand (A on the coding strand, the reverse complement: TTN is on the minus strand). VCF-style (leftmost placement, unchanged base first): chr2-178533870-CT-C. GRCh37 (hg19) VCF-style: chr2-179398597-CT-C.
Other names: c.97821del, p.Asp32608fs (NM_001256850.1); c.75549del, p.Asp25184fs (NM_003319.4); c.95040del, p.Asp31681fs (NM_133378.4); c.75924del, p.Asp25309fs (NM_133432.3); c.76125del, p.Asp25376fs (NM_133437.4); short protein forms D25184fs, D25309fs, D25376fs, D31681fs, D32608fs, D34249fs.
Identifiers: ClinVar variation 1066658 (VCV001066658.9), dbSNP rs2154135500, ClinGen allele CA2499215282.